The following is an entry in ClinVar:

NM_001167.4(XIAP):c.933G>A (p.Lys311=)

Gene: XIAP (X-linked inhibitor of apoptosis; plus strand). Cytogenetic location: Xq25.
Variant type: single nucleotide variant.
Coding change: c.933G>A on transcript NM_001167.4 (MANE Select); coding-DNA position 933, G replaced by A.
Protein change: p.Lys311=; no amino-acid change (lysine 311 retained).
Molecular consequence: synonymous variant. On other transcripts: non-coding transcript variant (2).
Genome position (GRCh38, 1-based): chrX:123,888,674, G>A. VCF-style: chrX-123888674-G-A. GRCh37 (hg19) VCF-style: chrX-123022524-G-A.
Other names: c.933G>A, p.Lys311= (NM_001204401.2, NM_001378590.1, NM_001378591.1 and 1 more transcripts).
Identifiers: ClinVar variation 367793 (VCV000367793.7), dbSNP rs749597959, ClinGen allele CA10508077.

ClinVar aggregate classification (germline): Benign/Likely benign. Review status: criteria provided, multiple submitters, no conflicts (2 of 4 stars). 2 submissions from 2 submitters: Benign (1); Likely benign (1). Last evaluated 2025-10-03.

Conditions:
X-linked lymphoproliferative disease due to XIAP deficiency. Also called: XIAP DEFICIENCY; XIAP-Related Lymphoproliferative Disease, X-Linked. Identifiers: Orphanet 2442, Orphanet 538934, MedGen C1845076, MONDO:0010385, OMIM 300635.

Allele frequency attached by ClinVar (database versions not stated): gnomAD 0.00005.
gnomAD v4.1: 11 of 1,210,343 alleles (0.00091%); highest among the groups gnomAD compares: East Asian, 0.03%; no homozygotes.

Submissions (2):

Labcorp Genetics (formerly Invitae), Labcorp
Classification: Benign for X-linked lymphoproliferative disease due to XIAP deficiency. Last evaluated: 2025-10-03. Review status: criteria provided, single submitter. Criteria: Invitae Variant Classification Sherloc (09022015). Collection method: clinical testing. Allele origin: germline.

Illumina Laboratory Services, Illumina
Classification: Likely benign for X-linked lymphoproliferative disease due to XIAP deficiency. Last evaluated: 2017-04-27. Review status: criteria provided, single submitter. Criteria: ICSL Variant Classification Criteria 13 December 2019. Collection method: clinical testing. Allele origin: germline.
Comment: This variant was observed as part of a predisposition screen in an ostensibly healthy population. A literature search was performed for the gene, cDNA change, and amino acid change (where applicable). No publications were found based on this search. Allele frequency data from public databases allowed determination this variant is unlikely to cause disease. Therefore, this variant is classified as likely benign.